The following is an entry in ClinVar:

ClinVar aggregate classification (germline): Uncertain significance (1 of 4 stars; one submission).

Submission:

CeGaT Center for Human Genetics Tuebingen
Classification: Uncertain significance. Last evaluated: 2024-08-01. Review status: criteria provided, single submitter. Criteria: CeGaT Center For Human Genetics Tuebingen Variant Classification Criteria Version 2. Collection method: clinical testing. Allele origin: germline. Affected: yes. Observed: 1 variant allele.
Comment: NLRP12: PM2, BP4

NM_144687.4(NLRP12):c.337C>G (p.Leu113Val)

Gene: NLRP12 (NLR family pyrin domain containing 12; minus strand). Cytogenetic location: 19q13.42.
Variant type: single nucleotide variant.
Coding change: c.337C>G on transcript NM_144687.4 (MANE Select); coding-DNA position 337, C replaced by G.
Protein change: p.Leu113Val; replaces leucine 113 with valine.
Molecular consequence: missense variant.
Genome position (GRCh38, 1-based): chr19:53,814,941, G>C on the plus strand (C>G on the coding strand, the complement: NLRP12 is on the minus strand). VCF-style: chr19-53814941-G-C. GRCh37 (hg19) VCF-style: chr19-54318195-G-C.
Other names: c.337C>G, p.Leu113Val (NM_001277126.2, NM_001277129.1); short protein forms L113V.
Identifiers: ClinVar variation 808642 (VCV000808642.42), dbSNP rs754131900, ClinGen allele CA407417682.